The following is an entry in ClinVar:

ClinVar aggregate classification (germline): Conflicting classifications of pathogenicity. Review status: criteria provided, conflicting classifications (1 of 4 stars). 4 submissions from 4 submitters: Uncertain significance (2); Likely benign (1). 1 of the submissions does not count toward it. Last evaluated 2026-02-04.

Conditions:
Breast-ovarian cancer, familial, susceptibility to, 1 (BROVCA1). Also called: BRCA1 Hereditary Breast and Ovarian Cancer; OVARIAN CANCER, SUSCEPTIBILITY TO. Identifiers: Orphanet 145, MedGen C2676676, MONDO:0011450, OMIM 604370. Disease mechanism: loss of function.
Hereditary cancer-predisposing syndrome. Also called: Hereditary Cancer Syndrome; Hereditary neoplastic syndrome; Neoplastic Syndromes, Hereditary; Tumor predisposition. Identifiers: Orphanet 140162, MedGen C0027672, MeSH D009386, MONDO:0015356.
Hereditary breast ovarian cancer syndrome. Also called: BRCA1- and BRCA2-Associated Hereditary Breast and Ovarian Cancer; Hereditary breast and ovarian cancer syndrome; Hereditary breast and ovarian cancer syndrome (HBOC); Breast and ovarian cancer; Hereditary breast and/or ovarian cancer syndrome; Hereditary breast and ovarian cancer. Identifiers: Orphanet 145, MedGen C0677776, MeSH D061325, MONDO:0003582. Disease mechanism: loss of function.

Submissions (4):

GeneDx
Classification: Uncertain significance. Last evaluated: 2026-02-04. Review status: criteria provided, single submitter. Criteria: GeneDx Variant Classification Process June 2021. Collection method: clinical testing. Allele origin: germline.
Comment: Not observed at significant frequency in large population cohorts (gnomAD); In silico analysis supports that this missense variant has a deleterious effect on protein structure/function; Has not been previously published as pathogenic or benign to our knowledge; Also known as 1918T>G; This variant is associated with the following publications: (PMID: 10426999, 10792030, 15343273)

Labcorp Genetics (formerly Invitae), Labcorp
Classification: Uncertain significance for Hereditary breast ovarian cancer syndrome. Last evaluated: 2024-08-19. Review status: criteria provided, single submitter. Criteria: Invitae Variant Classification Sherloc (09022015). Collection method: clinical testing. Allele origin: germline.
Comment: This sequence change replaces isoleucine, which is neutral and non-polar, with serine, which is neutral and polar, at codon 600 of the BRCA1 protein (p.Ile600Ser). This variant is not present in population databases (gnomAD no frequency). This variant has not been reported in the literature in individuals affected with BRCA1-related conditions. ClinVar contains an entry for this variant (Variation ID: 91564). Invitae Evidence Modeling of protein sequence and biophysical properties (such as structural, functional, and spatial information, amino acid conservation, physicochemical variation, residue mobility, and thermodynamic stability) indicates that this missense variant is not expected to disrupt BRCA1 protein function with a negative predictive value of 95%. In summary, the available evidence is currently insufficient to determine the role of this variant in disease. Therefore, it has been classified as a Variant of Uncertain Significance.

University of Washington Department of Laboratory Medicine, University of Washington
Classification: Likely benign for Hereditary cancer-predisposing syndrome. Last evaluated: 2023-03-23. Review status: criteria provided, single submitter. Criteria: Dines et al. (Genet Med. 2020). Collection method: curation. Allele origin: germline.
Comment: Missense variant in a coldspot region where missense variants are very unlikely to be pathogenic (PMID:31911673).

BRCA1 coldspot (exon 11 using historical exon numbering). Reclassification based on statistical prior probability

Sharing Clinical Reports Project (SCRP)
Classification: Uncertain significance for Breast-ovarian cancer, familial 1. Last evaluated: 2012-09-24. Review status: no assertion criteria provided. Collection method: clinical testing. Allele origin: germline. Not counted in ClinVar's aggregate classification.

NM_007294.4(BRCA1):c.1799T>G (p.Ile600Ser)

Gene: BRCA1 (BRCA1 DNA repair associated; minus strand). Cytogenetic location: 17q21.31.
Variant type: single nucleotide variant.
Coding change: c.1799T>G on transcript NM_007294.4 (MANE Select); coding-DNA position 1799, T replaced by G.
Protein change: p.Ile600Ser; replaces isoleucine 600 with serine.
Molecular consequence: missense variant. On other transcripts: intron variant (137).
Genome position (GRCh38, 1-based): chr17:43,093,732, A>C on the plus strand (T>G on the coding strand, the complement: BRCA1 is on the minus strand). VCF-style: chr17-43093732-A-C. GRCh37 (hg19) VCF-style: chr17-41245749-A-C.
Other names: 1918T>G; c.1799T>G, p.Ile600Ser (NM_001407603.1, NM_001407605.1, NM_001407616.1 and 30 more transcripts); c.1796T>G, p.Ile599Ser (NM_001407610.1, NM_001407611.1, NM_001407612.1 and 22 more transcripts); c.1790T>G, p.Ile597Ser (NM_001407647.1, NM_001407646.1); c.1676T>G, p.Ile559Ser (NM_001407648.1, NM_001407668.1, NM_001407669.1 and 19 more transcripts); c.1673T>G, p.Ile558Ser (NM_001407649.1, NM_001407670.1, NM_001407671.1 and 11 more transcripts); c.1721T>G, p.Ile574Ser (NM_001407653.1, NM_001407654.1, NM_001407655.1 and 4 more transcripts); c.1658T>G, p.Ile553Ser (NM_001407692.1, NM_001407694.1, NM_001407695.1 and 29 more transcripts); and 41 more; short protein forms I600S, I553S, I472S, I473S, I488S, I529S, I559S, I432S.
Identifiers: ClinVar variation 91564 (VCV000091564.8), dbSNP rs398122643, ClinGen allele CA001167.